The following is an entry in ClinVar:

NM_014363.6(SACS):c.4654A>C (p.Lys1552Gln)

Gene: SACS (sacsin molecular chaperone; minus strand). Cytogenetic location: 13q12.12.
Variant type: single nucleotide variant.
Coding change: c.4654A>C on transcript NM_014363.6 (MANE Select); coding-DNA position 4654, A replaced by C.
Protein change: p.Lys1552Gln; replaces lysine 1552 with glutamine.
Molecular consequence: missense variant.
Genome position (GRCh38, 1-based): chr13:23,339,222, T>G on the plus strand (A>C on the coding strand, the complement: SACS is on the minus strand). VCF-style: chr13-23339222-T-G. GRCh37 (hg19) VCF-style: chr13-23913361-T-G.
Other names: c.4213A>C, p.Lys1405Gln (NM_001278055.2); c.4654A>C (NM_014363.4); short protein forms K1552Q, K1405Q.
Identifiers: ClinVar variation 2973259 (VCV002973259.4), dbSNP rs376178701, ClinGen allele CA6911362.
Genomic context (GRCh38, chr13:23,339,222, plus strand): 5'-TGATGGGAATGTCAGTGATATGGTACACAGAATTAAATCCAAGACCAAATTTTCCAACTT[T>G]GTCAACTTCTCCCCTTTTTAAAGATTCTCCTAACCTAGTTATGTTCACAAAATCTGAATC-3'
Protein context (NP_055178.3, residues 1542-1562): GESLKRGEVD[Lys1552Gln]VGKFGLGFNS

ClinVar aggregate classification (germline): Conflicting classifications of pathogenicity. Review status: criteria provided, conflicting classifications (1 of 4 stars). 2 submissions from 2 submitters: Uncertain significance (1); Benign (1). Last evaluated 2024-03-06.

Conditions:
Spastic paraplegia. Identifiers: MedGen C0037772, HP:0001258.

Allele frequency attached by ClinVar (database versions not stated): ExAC 0.00002; TOPMed 0.00002; gnomAD 0.00003; ESP Exome Variant Server 0.00008.
gnomAD v4.1: 5 of 1,610,794 alleles (0.00031%); highest among the groups gnomAD compares: African/African-American, 0.0067%; no homozygotes.

Submissions (2):

GeneDx
Classification: Uncertain significance. Last evaluated: 2024-03-06. Review status: criteria provided, single submitter. Criteria: GeneDx Variant Classification Process June 2021. Collection method: clinical testing. Allele origin: germline. Affected: yes.
Comment: Not observed at significant frequency in large population cohorts (gnomAD); In silico analysis supports that this missense variant has a deleterious effect on protein structure/function; Has not been previously published as pathogenic or benign to our knowledge

Labcorp Genetics (formerly Invitae), Labcorp
Classification: Benign for Spastic paraplegia. Last evaluated: 2022-11-19. Review status: criteria provided, single submitter. Criteria: Invitae Variant Classification Sherloc (09022015). Collection method: clinical testing. Allele origin: germline.